The following is an entry in ClinVar:

ClinVar aggregate classification (germline): Likely benign. Review status: reviewed by expert panel (3 of 4 stars). 9 submissions from 9 submitters: Likely benign (1). 8 of the submissions do not count toward it. Last evaluated 2017-06-29.

Conditions:
BRCA2-related cancer predisposition. Identifiers: MedGen CN377758, MONDO:0700269.
Hereditary cancer-predisposing syndrome. Also called: Tumor predisposition; Hereditary Cancer Syndrome; Hereditary neoplastic syndrome; Neoplastic Syndromes, Hereditary. Identifiers: Orphanet 140162, MedGen C0027672, MeSH D009386, MONDO:0015356.
Hereditary breast ovarian cancer syndrome. Also called: Breast and ovarian cancer; Hereditary breast and ovarian cancer syndrome; Hereditary breast and ovarian cancer; BRCA1- and BRCA2-Associated Hereditary Breast and Ovarian Cancer; Hereditary breast and ovarian cancer syndrome (HBOC); Hereditary breast and/or ovarian cancer syndrome. Identifiers: Orphanet 145, MedGen C0677776, MeSH D061325, MONDO:0003582. Disease mechanism: loss of function.
Breast-ovarian cancer, familial, susceptibility to, 2 (BROVCA2). Also called: BRCA2 Hereditary Breast and Ovarian Cancer. Identifiers: Orphanet 145, MedGen C2675520, MONDO:0012933, OMIM 612555. Disease mechanism: loss of function.

Allele frequency attached by ClinVar (database versions not stated): gnomAD exomes below 0.00001; ExAC 0.00001; gnomAD 0.00001; TOPMed 0.00003.
gnomAD v4.1: 3 of 1,614,114 alleles (0.00019%); highest among the groups gnomAD compares: Admixed American, 0.0033%; no homozygotes.

Submissions (9):

Evidence-based Network for the Interpretation of Germline Mutant Alleles (ENIGMA)
Classification: Likely benign for Breast-ovarian cancer, familial, susceptibility to, 2. Last evaluated: 2017-06-29. Review status: reviewed by expert panel. Criteria: ENIGMA BRCA1/2 Classification Criteria (2017-06-29). Collection method: curation. Allele origin: germline.
Comment: Synonymous substitution variant, with low bioinformatic likelihood to result in a splicing aberration (Splicing prior probability 0.02).

Labcorp Genetics (formerly Invitae), Labcorp
Classification: Likely benign for Hereditary breast ovarian cancer syndrome. Last evaluated: 2025-11-25. Review status: criteria provided, single submitter. Criteria: Invitae Variant Classification Sherloc (09022015). Collection method: clinical testing. Allele origin: germline. Not counted in ClinVar's aggregate classification.

Women's Health and Genetics/Laboratory Corporation of America, LabCorp
Classification: Likely benign. Last evaluated: 2025-10-15. Review status: criteria provided, single submitter. Criteria: LabCorp Variant Classification Summary - May 2015. Collection method: clinical testing. Allele origin: germline. Not counted in ClinVar's aggregate classification.

Center for Genomic Medicine, Rigshospitalet, Copenhagen University Hospital
Classification: Likely benign. Last evaluated: 2025-03-04. Review status: criteria provided, single submitter. Criteria: ACMG Guidelines, 2015. Collection method: clinical testing. Allele origin: germline. Not counted in ClinVar's aggregate classification.

All of Us Research Program, National Institutes of Health
Classification: Likely benign for BRCA2-related cancer predisposition. Last evaluated: 2024-02-22. Review status: criteria provided, single submitter. Criteria: ACMG Guidelines, 2015. Collection method: clinical testing. Allele origin: germline. Inheritance: Autosomal dominant inheritance. Observed: 2 variant alleles, 2 heterozygotes. Not counted in ClinVar's aggregate classification.
Comment: This study involves interpretation of variants in research participants for the purpose of population health screening. Participant phenotype was not available at the time of variant classification. Additional details can be found in publication PMID: 35346344, PMCID: PMC8962531

GeneDx
Classification: Likely benign. Last evaluated: 2020-05-11. Review status: criteria provided, single submitter. Criteria: GeneDx Variant Classification Process June 2021. Collection method: clinical testing. Allele origin: germline. Affected: yes. Not counted in ClinVar's aggregate classification.

Color Diagnostics, LLC DBA Color Health
Classification: Likely benign for Hereditary cancer-predisposing syndrome. Last evaluated: 2019-02-13. Review status: criteria provided, single submitter. Criteria: ACMG Guidelines, 2015. Collection method: clinical testing. Allele origin: germline. Not counted in ClinVar's aggregate classification.

Ambry Genetics
Classification: Likely benign for Hereditary cancer-predisposing syndrome. Last evaluated: 2015-09-09. Review status: criteria provided, single submitter. Criteria: Ambry Variant Classification Scheme 2023. Collection method: clinical testing. Allele origin: germline. Not counted in ClinVar's aggregate classification.

Counsyl
Classification: Likely benign for Breast-ovarian cancer, familial, susceptibility to, 2. Last evaluated: 2016-10-19. Review status: no assertion criteria provided. Collection method: clinical testing. Allele origin: unknown. Not counted in ClinVar's aggregate classification.

NM_000059.4(BRCA2):c.9945A>G (p.Lys3315=)

Gene: BRCA2 (BRCA2 DNA repair associated; plus strand). Cytogenetic location: 13q13.1.
Variant type: single nucleotide variant.
Coding change: c.9945A>G on transcript NM_000059.4 (MANE Select); coding-DNA position 9945, A replaced by G.
Protein change: p.Lys3315=; no amino-acid change (lysine 3315 retained).
Molecular consequence: synonymous variant.
Genome position (GRCh38, 1-based): chr13:32,398,458, A>G. VCF-style: chr13-32398458-A-G. GRCh37 (hg19) VCF-style: chr13-32972595-A-G.
Identifiers: ClinVar variation 183957 (VCV000183957.27), dbSNP rs752308575, ClinGen allele CA026340.